The following is an entry in ClinVar:

NM_182914.3(SYNE2):c.8408A>G (p.Asp2803Gly)

Gene: SYNE2 (spectrin repeat containing nuclear envelope protein 2; plus strand). Cytogenetic location: 14q23.2.
Variant type: single nucleotide variant.
Coding change: c.8408A>G on transcript NM_182914.3 (MANE Select); coding-DNA position 8408, A replaced by G.
Protein change: p.Asp2803Gly; replaces aspartic acid 2803 with glycine.
Molecular consequence: missense variant.
Genome position (GRCh38, 1-based): chr14:64,052,321, A>G. VCF-style: chr14-64052321-A-G. GRCh37 (hg19) VCF-style: chr14-64519039-A-G.
Other names: c.8408A>G, p.Asp2803Gly (NM_015180.6); short protein forms D2803G.
Identifiers: ClinVar variation 2741296 (VCV002741296.3), dbSNP rs1379469498, ClinGen allele CA389966569.

ClinVar aggregate classification (germline): Uncertain significance (1 of 4 stars; one submission).

Conditions:
Emery-Dreifuss muscular dystrophy 5, autosomal dominant (EDMD5). Also called: EMERY-DREIFUSS MUSCULAR DYSTROPHY 5. Identifiers: Orphanet 261, MedGen C2751805, MONDO:0013072, OMIM 612999.

Allele frequency attached by ClinVar (database versions not stated): gnomAD 0.00001; gnomAD exomes 0.00001.
gnomAD v4.1: 12 of 1,614,114 alleles (0.00074%); highest among the groups gnomAD compares: Non-Finnish European, 0.001%; no homozygotes.

Submission:

Labcorp Genetics (formerly Invitae), Labcorp
Classification: Uncertain significance for Emery-Dreifuss muscular dystrophy 5, autosomal dominant. Last evaluated: 2024-10-24. Review status: criteria provided, single submitter. Criteria: Invitae Variant Classification Sherloc (09022015). Collection method: clinical testing. Allele origin: germline.
Comment: This sequence change replaces aspartic acid, which is acidic and polar, with glycine, which is neutral and non-polar, at codon 2803 of the SYNE2 protein (p.Asp2803Gly). This variant is present in population databases (no rsID available, gnomAD 0.0009%). This variant has not been reported in the literature in individuals affected with SYNE2-related conditions. An algorithm developed to predict the effect of missense changes on protein structure and function outputs the following: PolyPhen-2: "Benign". The glycine amino acid residue is found in multiple mammalian species, which suggests that this missense change does not adversely affect protein function. In summary, the available evidence is currently insufficient to determine the role of this variant in disease. Therefore, it has been classified as a Variant of Uncertain Significance.